The following is an entry in ClinVar:

NM_015175.3(NBEAL2):c.4844G>A (p.Arg1615His)

Gene: NBEAL2 (neurobeachin like 2; plus strand). Cytogenetic location: 3p21.31.
Variant type: single nucleotide variant.
Coding change: c.4844G>A on transcript NM_015175.3 (MANE Select); coding-DNA position 4844, G replaced by A.
Protein change: p.Arg1615His; replaces arginine 1615 with histidine.
Molecular consequence: missense variant.
Genome position (GRCh38, 1-based): chr3:47,001,981, G>A. VCF-style: chr3-47001981-G-A. GRCh37 (hg19) VCF-style: chr3-47043471-G-A.
Other names: c.4742G>A, p.Arg1581His (NM_001365116.2); short protein forms R1581H, R1615H.
Identifiers: ClinVar variation 3353013 (VCV003353013.2).

ClinVar aggregate classification (germline): Uncertain significance (1 of 4 stars; one submission).

Conditions:
NBEAL2-related disorder. Also called: NBEAL2-related condition.

gnomAD v4.1: 72 of 1,607,838 alleles (0.0045%); highest among the groups gnomAD compares: South Asian, 0.0055%; no homozygotes.

Submission:

PreventionGenetics, part of Exact Sciences
Classification: Uncertain significance for NBEAL2-related condition. Last evaluated: 2026-09-20. Review status: criteria provided, single submitter. Criteria: ACMG Guidelines, 2015. Collection method: clinical testing. Allele origin: germline.
Comment: The NBEAL2 c.4844G>A variant is predicted to result in the amino acid substitution p.Arg1615His. To our knowledge, this variant has not been reported in the literature. This variant is reported in 0.013% of alleles in individuals of African descent in gnomAD. At this time, the clinical significance of this variant is uncertain due to the absence of conclusive functional and genetic evidence.